The following is an entry in ClinVar:

ClinVar aggregate classification (germline): Likely pathogenic (1 of 4 stars; one submission).

Conditions:
Autosomal recessive limb-girdle muscular dystrophy type 2A (LGMDR1). Also called: MUSCULAR DYSTROPHY, PELVOFEMORAL; Muscular dystrophy, limb-girdle, type 2A, Amish; Limb-girdle muscular dystrophy, type 2A; LEYDEN-MOEBIUS MUSCULAR DYSTROPHY; Calpainopathy. Identifiers: Orphanet 267, MedGen C1869123, MONDO:0009675, OMIM 253600. Disease mechanism: loss of function.

gnomAD v4.1: 1 of 1,613,062 alleles (0.000062%); highest among the groups gnomAD compares: East Asian, 0.0022%; no homozygotes.

Submission:

Labcorp Genetics (formerly Invitae), Labcorp
Classification: Likely pathogenic for Autosomal recessive limb-girdle muscular dystrophy type 2A. Last evaluated: 2024-05-29. Review status: criteria provided, single submitter. Criteria: Invitae Variant Classification Sherloc (09022015). Collection method: clinical testing. Allele origin: germline.
Comment: This sequence change replaces glycine, which is neutral and non-polar, with arginine, which is basic and polar, at codon 755 of the CAPN3 protein (p.Gly755Arg). This variant also falls at the last nucleotide of exon 21, which is part of the consensus splice site for this exon. This variant is not present in population databases (gnomAD no frequency). This missense change has been observed in individual(s) with clinical features of autosomal recessive limb-girdle muscular dystrophy (PMID: 27447704, 31268554; Invitae). An algorithm developed to predict the effect of missense changes on protein structure and function (PolyPhen-2) suggests that this variant is likely to be disruptive. Variants that disrupt the consensus splice site are a relatively common cause of aberrant splicing (PMID: 17576681, 9536098). Algorithms developed to predict the effect of sequence changes on RNA splicing suggest that this variant may disrupt the consensus splice site. In summary, the currently available evidence indicates that the variant is pathogenic, but additional data are needed to prove that conclusively. Therefore, this variant has been classified as Likely Pathogenic.

Literature cited by the submitters: PubMed 27447704; PubMed 31268554; PubMed 17576681; PubMed 9536098.

NM_000070.3(CAPN3):c.2263G>A (p.Gly755Arg)

Gene: CAPN3 (calpain 3; plus strand). Cytogenetic location: 15q15.1.
Variant type: single nucleotide variant.
Coding change: c.2263G>A on transcript NM_000070.3 (MANE Select); coding-DNA position 2263, G replaced by A.
Protein change: p.Gly755Arg; replaces glycine 755 with arginine.
Molecular consequence: missense variant.
Genome position (GRCh38, 1-based): chr15:42,410,666, G>A. VCF-style: chr15-42410666-G-A. GRCh37 (hg19) VCF-style: chr15-42702864-G-A.
Other names: c.727G>A, p.Gly243Arg (NM_173088.2); c.268G>A, p.Gly90Arg (NM_173089.2, NM_173090.2); c.1987G>A, p.Gly663Arg (NM_173087.2); c.2245G>A, p.Gly749Arg (NM_024344.2); short protein forms G243R, G90R, G749R, G755R, G663R.
Identifiers: ClinVar variation 3721675 (VCV003721675.2).